The following is an entry in ClinVar:

ClinVar aggregate classification (germline): Conflicting classifications of pathogenicity. Review status: criteria provided, conflicting classifications (1 of 4 stars). 6 submissions from 6 submitters: Likely pathogenic (1); Uncertain significance (4). 1 of the submissions does not count toward it. Last evaluated 2026-02-13.

Conditions:
Finnish congenital nephrotic syndrome (NPHS1). Also called: NEPHROTIC SYNDROME, TYPE 1. Identifiers: Orphanet 839, MedGen C0403399, MONDO:0009732, OMIM 256300.

gnomAD v4.1: 4 of 1,613,280 alleles (0.00025%); highest among the groups gnomAD compares: Admixed American, 0.0067%; no homozygotes.

Submissions (6):

Myriad Genetics, Inc.
Classification: Uncertain significance for Finnish congenital nephrotic syndrome. Last evaluated: 2026-02-13. Review status: criteria provided, single submitter. Criteria: Myriad Autosomal Dominant, Autosomal Recessive and X-Linked Classification Criteria (2023). Collection method: clinical testing. Allele origin: unknown.
Comment: NM_004646.3(NPHS1):c.710T>C(L237P) is a missense variant classified as a variant of uncertain significance in the context of nephrotic syndrome, NPHS1-related. L237P has been observed in a case with relevant disease (PMID: 22565185, 35368817). Relevant functional assessments of this variant are not available in the literature. L237P has been observed in referenced population frequency databases. In summary, there is insufficient evidence to classify NM_004646.3(NPHS1):c.710T>C(L237P) as pathogenic or benign. Please note: this variant was assessed in the context of healthy population screening.

Fulgent Genetics
Classification: Uncertain significance for Finnish congenital nephrotic syndrome. Last evaluated: 2024-02-12. Review status: criteria provided, single submitter. Criteria: ACMG Guidelines, 2015. Collection method: clinical testing. Allele origin: germline.

Baylor Genetics
Classification: Likely pathogenic for Finnish congenital nephrotic syndrome. Last evaluated: 2022-10-11. Review status: criteria provided, single submitter. Criteria: ACMG Guidelines, 2015. Collection method: clinical testing. Allele origin: unknown.

GeneDx
Classification: Uncertain significance. Last evaluated: 2022-09-13. Review status: criteria provided, single submitter. Criteria: GeneDx Variant Classification Process June 2021. Collection method: clinical testing. Allele origin: germline. Affected: yes.
Comment: Observed in the heterozygous state with a second NPHS1 variant on the opposite allele (in trans) in a patient with nephrotic syndrome in the published literature (Abid et al., 2012); Not observed at significant frequency in large population cohorts (gnomAD); In silico analysis supports that this missense variant has a deleterious effect on protein structure/function; This variant is associated with the following publications: (PMID: Shakoor[Article]2017, 22565185)

Labcorp Genetics (formerly Invitae), Labcorp
Classification: Uncertain significance. Last evaluated: 2021-09-02. Review status: criteria provided, single submitter. Criteria: Invitae Variant Classification Sherloc (09022015). Collection method: clinical testing. Allele origin: germline.
Comment: This sequence change replaces leucine with proline at codon 237 of the NPHS1 protein (p.Leu237Pro). The leucine residue is highly conserved and there is a moderate physicochemical difference between leucine and proline. This variant is present in population databases (rs373835033, ExAC 0.009%). This missense change has been observed in individual(s) with nephrotic syndrome (PMID: 22565185). Algorithms developed to predict the effect of missense changes on protein structure and function (SIFT, PolyPhen-2, Align-GVGD) all suggest that this variant is likely to be disruptive. In summary, the available evidence is currently insufficient to determine the role of this variant in disease. Therefore, it has been classified as a Variant of Uncertain Significance.

Natera, Inc.
Classification: Uncertain significance for Finnish congenital nephrotic syndrome. Last evaluated: 2020-12-02. Review status: no assertion criteria provided. Collection method: clinical testing. Allele origin: germline. Not counted in ClinVar's aggregate classification.

Literature cited by the submitters: PubMed 22565185 (cited by Myriad Genetics, Inc. and Labcorp Genetics (formerly Invitae), Labcorp); PubMed 35368817 (cited by Myriad Genetics, Inc.).

NM_004646.4(NPHS1):c.710T>C (p.Leu237Pro)

Gene: NPHS1 (NPHS1 adhesion molecule, nephrin; minus strand). Cytogenetic location: 19q13.12.
Variant type: single nucleotide variant.
Coding change: c.710T>C on transcript NM_004646.4 (MANE Select); coding-DNA position 710, T replaced by C.
Protein change: p.Leu237Pro; replaces leucine 237 with proline.
Molecular consequence: missense variant.
Genome position (GRCh38, 1-based): chr19:35,849,552, A>G on the plus strand (T>C on the coding strand, the complement: NPHS1 is on the minus strand). VCF-style: chr19-35849552-A-G. GRCh37 (hg19) VCF-style: chr19-36340454-A-G.
Other names: c.710T>C (NM_004646.3); short protein forms L237P.
Identifiers: ClinVar variation 1039235 (VCV001039235.11), dbSNP rs373835033, ClinGen allele CA9390693.